The following is an entry in ClinVar:

NM_000337.6(SGCD):c.217A>G (p.Thr73Ala)

Gene: SGCD (sarcoglycan delta; plus strand). Cytogenetic location: 5q33.3.
Variant type: single nucleotide variant.
Coding change: c.217A>G on transcript NM_000337.6 (MANE Select); coding-DNA position 217, A replaced by G.
Protein change: p.Thr73Ala; replaces threonine 73 with alanine.
Molecular consequence: missense variant.
Genome position (GRCh38, 1-based): chr5:156,508,625, A>G. VCF-style: chr5-156508625-A-G. GRCh37 (hg19) VCF-style: chr5-155935635-A-G.
Other names: c.214A>G, p.Thr72Ala (NM_001128209.2); c.217A>G, p.Thr73Ala (NM_172244.3); short protein forms T72A, T73A.
Identifiers: ClinVar variation 4855555 (VCV004855555.1).

ClinVar aggregate classification (germline): Uncertain significance (1 of 4 stars; one submission).

Conditions:
Autosomal recessive limb-girdle muscular dystrophy type 2F (LGMDR6). Also called: MUSCULAR DYSTROPHY, LIMB-GIRDLE, AUTOSOMAL RECESSIVE 6; Muscular dystrophy limb-girdle with delta-sarcoglyan deficiency. Identifiers: Orphanet 219, MedGen C1832525, MONDO:0011028, OMIM 601287. Disease mechanism: Affects gamma-sarcoglycan and also disrupts the integrity of the entire sarcoglycan complex..

Submission:

3billion
Classification: Uncertain significance for Autosomal recessive limb-girdle muscular dystrophy type 2F. Last evaluated: 2025-11-22. Review status: criteria provided, single submitter. Criteria: ACMG Guidelines, 2015. Collection method: clinical testing. Allele origin: germline. Affected: yes.
Comment: The variant is not observed in the gnomAD v4.1.0 dataset. Predicted Consequence/Location: Missense variant. The majority of the known disease-causing variants of this gene are variants expected to result in premature termination of the protein. In silico tool predictions suggest damaging effect of the variant on gene or gene product [REVEL: 0.76 (>=0.6, sensitivity 0.68 and specificity 0.92)]. Therefore, this variant is classified as VUS according to the recommendation of ACMG/AMP guideline.